The following is an entry in ClinVar:

NM_000465.4(BARD1):c.1332T>C (p.Val444=)

Gene: BARD1 (BRCA1 associated RING domain 1; minus strand). Cytogenetic location: 2q35.
Variant type: single nucleotide variant.
Coding change: c.1332T>C on transcript NM_000465.4 (MANE Select); coding-DNA position 1332, T replaced by C.
Protein change: p.Val444=; no amino-acid change (valine 444 retained).
Molecular consequence: synonymous variant. On other transcripts: non-coding transcript variant (3), intron variant (3).
Genome position (GRCh38, 1-based): chr2:214,769,295, A>G on the plus strand (T>C on the coding strand, the complement: BARD1 is on the minus strand). VCF-style: chr2-214769295-A-G. GRCh37 (hg19) VCF-style: chr2-215634019-A-G.
Other names: c.1275T>C, p.Val425= (NM_001282543.2); c.159-16740T>C (NM_001282548.2); c.216-16740T>C (NM_001282545.2); c.364+23002T>C (NM_001282549.2).
Identifiers: ClinVar variation 3378550 (VCV003378550.1).

ClinVar aggregate classification (germline): Benign (1 of 4 stars; one submission).

Conditions:
Familial cancer of breast. Also called: hereditary breast carcinoma; Hereditary breast cancer; BREAST CANCER, FAMILIAL. Identifiers: Orphanet 227535, MedGen C0346153, MONDO:0016419, OMIM 114480. Disease mechanism: loss of function.

Submission:

Myriad Genetics, Inc.
Classification: Benign for Familial cancer of breast. Last evaluated: 2024-07-24. Review status: criteria provided, single submitter. Criteria: Myriad Autosomal Dominant, Autosomal Recessive and X-Linked Classification Criteria (2023). Collection method: clinical testing. Allele origin: unknown.
Comment: This variant is considered benign. This variant is a silent/synonymous amino acid change and it is not expected to impact splicing.